The following is an entry in ClinVar:

ClinVar aggregate classification (germline): Likely benign. Review status: criteria provided, multiple submitters, no conflicts (2 of 4 stars). 3 submissions from 3 submitters: Likely benign (2). 1 of the submissions does not count toward it. Last evaluated 2023-10-05.

Conditions:
Bifunctional peroxisomal enzyme deficiency (DBIF). Also called: DBP DEFICIENCY; PBFE DEFICIENCY; D-bifunctional protein deficiency. Identifiers: Orphanet 300, MedGen C0342870, MONDO:0009855, OMIM 261515. Disease mechanism: loss of function.
Perrault syndrome. Also called: Gonadal dysgenesis with auditory dysfunction, autosomal recessive inheritance. Identifiers: Orphanet 2855, MedGen C0685838, MONDO:0017312.

Allele frequency attached by ClinVar (database versions not stated): gnomAD exomes 0.00001; TOPMed 0.00001; ExAC 0.00002.
gnomAD v4.1: 4 of 1,613,546 alleles (0.00025%); highest among the groups gnomAD compares: Non-Finnish European, 0.00034%; no homozygotes.

Submissions (3):

Labcorp Genetics (formerly Invitae), Labcorp
Classification: Likely benign for Perrault syndrome; Bifunctional peroxisomal enzyme deficiency. Last evaluated: 2023-10-05. Review status: criteria provided, single submitter. Criteria: Invitae Variant Classification Sherloc (09022015). Collection method: clinical testing. Allele origin: germline.

Laboratory for Molecular Medicine, Mass General Brigham Personalized Medicine
Classification: Likely benign. Last evaluated: 2017-08-23. Review status: criteria provided, single submitter. Criteria: LMM Criteria. Collection method: clinical testing. Allele origin: germline. Observed: 1 variant allele.
Comment: p.Thr650Thr in exon 23 of HSD17B4: This variant is not expected to have clinical significance because it does not alter an amino acid residue and is not located within the splice consensus sequence. It has been identified in 2/66660 European chromosomes by the Exome Aggregation Consortium (ExAC; dbSNP rs745478996).

Natera, Inc.
Classification: Uncertain significance for Bifunctional peroxisomal enzyme deficiency. Last evaluated: 2020-03-10. Review status: no assertion criteria provided. Collection method: clinical testing. Allele origin: germline. Not counted in ClinVar's aggregate classification.

NM_000414.4(HSD17B4):c.1875C>G (p.Thr625=)

Gene: HSD17B4 (hydroxysteroid 17-beta dehydrogenase 4; plus strand). Cytogenetic location: 5q23.1.
Variant type: single nucleotide variant.
Coding change: c.1875C>G on transcript NM_000414.4 (MANE Select); coding-DNA position 1875, C replaced by G.
Protein change: p.Thr625=; no amino-acid change (threonine 625 retained).
Molecular consequence: synonymous variant. On other transcripts: non-coding transcript variant (2).
Genome position (GRCh38, 1-based): chr5:119,531,286, C>G. VCF-style: chr5-119531286-C-G. GRCh37 (hg19) VCF-style: chr5-118866981-C-G.
Other names: c.1950C>G, p.Thr650= (NM_001199291.3); c.1821C>G, p.Thr607= (NM_001199292.2); c.1803C>G, p.Thr601= (NM_001292027.2, NM_001374498.1); c.1455C>G, p.Thr485= (NM_001292028.2); c.1866C>G, p.Thr622= (NM_001374497.1); c.1548C>G, p.Thr516= (NM_001374499.1); c.1434C>G, p.Thr478= (NM_001374500.1); c.1464C>G, p.Thr488= (NM_001374501.1, NM_001374502.1, NM_001374503.1).
Identifiers: ClinVar variation 799805 (VCV000799805.15), dbSNP rs745478996, ClinGen allele CA3382450.